The following is an entry in ClinVar:

NM_000038.6(APC):c.5639A>C (p.Glu1880Ala)

Gene: APC (APC regulator of Wnt signaling pathway; plus strand). Cytogenetic location: 5q22.2.
Variant type: single nucleotide variant.
Coding change: c.5639A>C on transcript NM_000038.6 (MANE Select); coding-DNA position 5639, A replaced by C.
Protein change: p.Glu1880Ala; replaces glutamic acid 1880 with alanine.
Molecular consequence: missense variant.
Genome position (GRCh38, 1-based): chr5:112,841,233, A>C. VCF-style: chr5-112841233-A-C. GRCh37 (hg19) VCF-style: chr5-112176930-A-C.
Other names: c.5639A>C, p.Glu1880Ala (NM_001127510.3, NM_001354895.2); c.5585A>C, p.Glu1862Ala (NM_001127511.3); c.5693A>C, p.Glu1898Ala (NM_001354896.2); c.5669A>C, p.Glu1890Ala (NM_001354897.2); c.5564A>C, p.Glu1855Ala (NM_001354898.2); c.5555A>C, p.Glu1852Ala (NM_001354899.2); c.5516A>C, p.Glu1839Ala (NM_001354900.2); c.5462A>C, p.Glu1821Ala (NM_001354901.2); and 5 more; short protein forms E1862A, E1880A, E1720A, E1839A, E1852A, E1754A, E1855A, E1789A.
Identifiers: ClinVar variation 423678 (VCV000423678.22), dbSNP rs1064796571, ClinGen allele CA16033673.

ClinVar aggregate classification (germline): Uncertain significance. Review status: criteria provided, multiple submitters, no conflicts (2 of 4 stars). 4 submissions from 4 submitters: Uncertain significance (4). Last evaluated 2025-09-15.

Conditions:
Familial adenomatous polyposis 1 (FAP1). Also called: FAMILIAL ADENOMATOUS POLYPOSIS 1, ATTENUATED; POLYPOSIS, ADENOMATOUS INTESTINAL. Identifiers: MedGen C2713442, MONDO:0021056, OMIM 175100. Disease mechanism: loss of function.
Hereditary cancer-predisposing syndrome. Also called: Hereditary neoplastic syndrome; Neoplastic Syndromes, Hereditary; Tumor predisposition; Hereditary Cancer Syndrome. Identifiers: Orphanet 140162, MedGen C0027672, MeSH D009386, MONDO:0015356.

Allele frequency attached by ClinVar (database versions not stated): gnomAD exomes below 0.00001.
gnomAD v4.1: 1 of 1,613,920 alleles (0.000062%); highest among the groups gnomAD compares: South Asian, 0.0011%; no homozygotes.

Submissions (4):

Ambry Genetics
Classification: Uncertain significance for Hereditary cancer-predisposing syndrome. Last evaluated: 2025-09-15. Review status: criteria provided, single submitter. Criteria: Ambry Variant Classification Scheme 2023. Collection method: clinical testing. Allele origin: germline.
Comment: The p.E1880A variant (also known as c.5639A>C), located in coding exon 15 of the APC gene, results from an A to C substitution at nucleotide position 5639. The glutamic acid at codon 1880 is replaced by alanine, an amino acid with dissimilar properties. This amino acid position is well conserved in available vertebrate species. In addition, in silico predictors for this gene do not accurately predict pathogenicity. Missense alterations in APC are not a common cause of disease (Spier I et al. Genet Med. 2024 Feb;26(2):100992). Based on the available evidence, the clinical significance of this variant remains unclear.

Labcorp Genetics (formerly Invitae), Labcorp
Classification: Uncertain significance for Familial adenomatous polyposis 1. Last evaluated: 2025-06-19. Review status: criteria provided, single submitter. Criteria: Invitae Variant Classification Sherloc (09022015). Collection method: clinical testing. Allele origin: germline.
Comment: This sequence change replaces glutamic acid, which is acidic and polar, with alanine, which is neutral and non-polar, at codon 1880 of the APC protein (p.Glu1880Ala). This variant is not present in population databases (gnomAD no frequency). This variant has not been reported in the literature in individuals affected with APC-related conditions. ClinVar contains an entry for this variant (Variation ID: 423678). Invitae Evidence Modeling of protein sequence and biophysical properties (such as structural, functional, and spatial information, amino acid conservation, physicochemical variation, residue mobility, and thermodynamic stability) indicates that this missense variant is not expected to disrupt APC protein function with a negative predictive value of 95%. In summary, the available evidence is currently insufficient to determine the role of this variant in disease. Therefore, it has been classified as a Variant of Uncertain Significance.

Color Diagnostics, LLC DBA Color Health
Classification: Uncertain significance for Hereditary cancer-predisposing syndrome. Last evaluated: 2024-03-06. Review status: criteria provided, single submitter. Criteria: ACMG Guidelines, 2015. Collection method: clinical testing. Allele origin: germline.
Comment: This missense variant replaces glutamic acid with alanine at codon 1880 of the APC protein. Computational prediction suggests that this variant may not impact protein structure and function (internally defined REVEL score threshold <= 0.5, PMID: 27666373). Splice site prediction tools suggest that this variant may not impact RNA splicing. To our knowledge, functional studies have not been performed for this variant. This variant has not been reported in individuals affected with hereditary cancer in the literature. This variant has been identified in 1/250970 chromosomes in the general population by the Genome Aggregation Database (gnomAD). The available evidence is insufficient to determine the role of this variant in disease conclusively. Therefore, this variant is classified as a Variant of Uncertain Significance.

GeneDx
Classification: Uncertain significance. Last evaluated: 2017-02-17. Review status: criteria provided, single submitter. Criteria: GeneDx Variant Classification (06012015). Collection method: clinical testing. Allele origin: germline. Affected: yes.
Comment: This variant is denoted APC c.5639A>C at the cDNA level, p.Glu1880Ala (E1880A) at the protein level, and results in the change of a Glutamic Acid to an Alanine (GAA>GCA). This variant has not, to our knowledge, been published in the literature as pathogenic or benign. APC Glu1880Ala was not observed in approximately 6,500 individuals of European and African American ancestry in the NHLBI Exome Sequencing Project, suggesting it is not a common benign variant in these populations. Since Glutamic Acid and Alanine differ in polarity, charge, size or other properties, this is considered a non-conservative amino acid substitution. APC Glu1880Ala occurs at a position that is conserved in mammals and is located in the 20 amino acid repeat B-catenin down regulating domain and the SAMP repeats/axin binding domain (Azzopardi 2008). In silico analyses are inconsistent regarding the effect this variant may have on protein structure and function. Based on currently available evidence, it is unclear whether APC Glu1880Ala is a pathogenic or benign variant. We consider it to be a variant of uncertain significance.